The following is an entry in ClinVar:

ClinVar aggregate classification (germline): Uncertain significance (1 of 4 stars; one submission).

Allele frequency attached by ClinVar (database versions not stated): ExAC 0.00004.
gnomAD v4.1: 19 of 1,614,066 alleles (0.0012%); highest among the groups gnomAD compares: South Asian, 0.019%; no homozygotes.

Submission:

Labcorp Genetics (formerly Invitae), Labcorp
Classification: Uncertain significance. Last evaluated: 2023-08-10. Review status: criteria provided, single submitter. Criteria: Invitae Variant Classification Sherloc (09022015). Collection method: clinical testing. Allele origin: germline.
Comment: An algorithm developed to predict the effect of missense changes on protein structure and function (PolyPhen-2) suggests that this variant is likely to be disruptive. In summary, the available evidence is currently insufficient to determine the role of this variant in disease. Therefore, it has been classified as a Variant of Uncertain Significance. ClinVar contains an entry for this variant (Variation ID: 2050631). This variant has not been reported in the literature in individuals affected with DNAJC17-related conditions. This sequence change replaces leucine, which is neutral and non-polar, with proline, which is neutral and non-polar, at codon 98 of the DNAJC17 protein (p.Leu98Pro). This variant is present in population databases (rs766549642, gnomAD 0.03%).

NM_018163.3(DNAJC17):c.293T>C (p.Leu98Pro)

Gene: DNAJC17 (DnaJ heat shock protein family (Hsp40) member C17; minus strand). Cytogenetic location: 15q15.1.
Variant type: single nucleotide variant.
Coding change: c.293T>C on transcript NM_018163.3 (MANE Select); coding-DNA position 293, T replaced by C.
Protein change: p.Leu98Pro; replaces leucine 98 with proline.
Molecular consequence: missense variant.
Genome position (GRCh38, 1-based): chr15:40,779,225, A>G on the plus strand (T>C on the coding strand, the complement: DNAJC17 is on the minus strand). VCF-style: chr15-40779225-A-G. GRCh37 (hg19) VCF-style: chr15-41071423-A-G.
Other names: short protein forms L98P.
Identifiers: ClinVar variation 2050631 (VCV002050631.4), dbSNP rs766549642, ClinGen allele CA7485243.